The following is an entry in ClinVar:

ClinVar aggregate classification (germline): Uncertain significance. Review status: criteria provided, multiple submitters, no conflicts (2 of 4 stars). 2 submissions from 2 submitters: Uncertain significance (2). Last evaluated 2022-05-17.

Conditions:
Developmental and epileptic encephalopathy, 12 (DEE12). Identifiers: MedGen C3150988, MONDO:0013389, OMIM 613722.

gnomAD v4.1: 5 of 1,611,222 alleles (0.00031%); highest among the groups gnomAD compares: Non-Finnish European, 0.00042%; no homozygotes.

Submissions (2):

Labcorp Genetics (formerly Invitae), Labcorp
Classification: Uncertain significance for Developmental and epileptic encephalopathy, 12. Last evaluated: 2022-05-17. Review status: criteria provided, single submitter. Criteria: Invitae Variant Classification Sherloc (09022015). Collection method: clinical testing. Allele origin: germline.
Comment: This sequence change replaces serine, which is neutral and polar, with cysteine, which is neutral and slightly polar, at codon 470 of the PNKP protein (p.Ser470Cys). This variant is present in population databases (no rsID available, gnomAD 0.0009%). This variant has not been reported in the literature in individuals affected with PNKP-related conditions. Algorithms developed to predict the effect of missense changes on protein structure and function are either unavailable or do not agree on the potential impact of this missense change (SIFT: "Deleterious"; PolyPhen-2: "Possibly Damaging"; Align-GVGD: "Class C0"). In summary, the available evidence is currently insufficient to determine the role of this variant in disease. Therefore, it has been classified as a Variant of Uncertain Significance.

Blueprint Genetics
Classification: Uncertain significance. Last evaluated: 2020-04-08. Review status: criteria provided, single submitter. Criteria: ACMG Guidelines, 2015. Collection method: clinical testing. Allele origin: germline.

NM_007254.4(PNKP):c.1409C>G (p.Ser470Cys)

Gene: PNKP (polynucleotide kinase 3'-phosphatase; minus strand). Cytogenetic location: 19q13.33.
Variant type: single nucleotide variant.
Coding change: c.1409C>G on transcript NM_007254.4 (MANE Select); coding-DNA position 1409, C replaced by G.
Protein change: p.Ser470Cys; replaces serine 470 with cysteine.
Molecular consequence: missense variant.
Genome position (GRCh38, 1-based): chr19:49,861,488, G>C on the plus strand (C>G on the coding strand, the complement: PNKP is on the minus strand). VCF-style: chr19-49861488-G-C. GRCh37 (hg19) VCF-style: chr19-50364745-G-C.
Other names: short protein forms S470C.
Identifiers: ClinVar variation 2201616 (VCV002201616.5), dbSNP rs1231560062, ClinGen allele CA406932835.
Genomic context (GRCh38, chr19:49,861,488, plus strand): 5'-CCCTGCTATCCCCAACAGTACCTGTAGCCATACATGACCATGTCTGACACGGGGATATGA[G>C]AGGAGTCCGTCATCTCTCGAAACTGTGGGGAACATCAGAGGGGCGGCAGGCCCAGGGGTC-3'
Protein context (NP_009185.2, residues 460-480): NNRFREMTDS[Ser470Cys]HIPVSDMVMY